The following is an entry in ClinVar:

NM_000179.3(MSH6):c.2654A>C (p.Lys885Thr)

Gene: MSH6 (mutS homolog 6; plus strand). Cytogenetic location: 2p16.3.
Variant type: single nucleotide variant.
Coding change: c.2654A>C on transcript NM_000179.3 (MANE Select); coding-DNA position 2654, A replaced by C.
Protein change: p.Lys885Thr; replaces lysine 885 with threonine.
Molecular consequence: missense variant. On other transcripts: non-coding transcript variant (5), intron variant (3).
Genome position (GRCh38, 1-based): chr2:47,800,637, A>C. VCF-style: chr2-47800637-A-C. GRCh37 (hg19) VCF-style: chr2-48027776-A-C.
Other names: c.2264A>C, p.Lys755Thr (NM_001281492.2); c.1748A>C, p.Lys583Thr (NM_001281493.2, NM_001281494.2, NM_001406811.1 and 6 more transcripts); c.2750A>C, p.Lys917Thr (NM_001406795.1, NM_001406802.1); c.2654A>C, p.Lys885Thr (NM_001406796.1, NM_001406798.1, NM_001406800.1 and 2 more transcripts); c.2357A>C, p.Lys786Thr (NM_001406797.1, NM_001406818.1, NM_001406819.1 and 10 more transcripts); c.2660A>C, p.Lys887Thr (NM_001406813.1); c.2308+346A>C (NM_001406803.1); c.1606+1048A>C (NM_001406817.1); and 4 more; short protein forms K755T, K829T, K859T, K917T, K786T, K583T, K710T, K885T.
Identifiers: ClinVar variation 3633955 (VCV003633955.2).

ClinVar aggregate classification (germline): Uncertain significance (1 of 4 stars; one submission).

Conditions:
Hereditary nonpolyposis colorectal neoplasms. Identifiers: MedGen C0009405, MeSH D003123.

Submission:

Labcorp Genetics (formerly Invitae), Labcorp
Classification: Uncertain significance for Hereditary nonpolyposis colorectal neoplasms. Last evaluated: 2024-08-14. Review status: criteria provided, single submitter. Criteria: Invitae Variant Classification Sherloc (09022015). Collection method: clinical testing. Allele origin: germline.
Comment: This sequence change replaces lysine, which is basic and polar, with threonine, which is neutral and polar, at codon 885 of the MSH6 protein (p.Lys885Thr). This variant is not present in population databases (gnomAD no frequency). This variant has not been reported in the literature in individuals affected with MSH6-related conditions. Invitae Evidence Modeling of protein sequence and biophysical properties (such as structural, functional, and spatial information, amino acid conservation, physicochemical variation, residue mobility, and thermodynamic stability) indicates that this missense variant is not expected to disrupt MSH6 protein function with a negative predictive value of 95%. In summary, the available evidence is currently insufficient to determine the role of this variant in disease. Therefore, it has been classified as a Variant of Uncertain Significance.